The following is an entry in ClinVar:

NM_001231.5(CASQ1):c.865G>A (p.Ala289Thr)

Gene: CASQ1 (calsequestrin 1; plus strand). Cytogenetic location: 1q23.2.
Variant type: single nucleotide variant.
Coding change: c.865G>A on transcript NM_001231.5 (MANE Select); coding-DNA position 865, G replaced by A.
Protein change: p.Ala289Thr; replaces alanine 289 with threonine.
Molecular consequence: missense variant.
Genome position (GRCh38, 1-based): chr1:160,198,713, G>A. VCF-style: chr1-160198713-G-A. GRCh37 (hg19) VCF-style: chr1-160168503-G-A.
Other names: short protein forms A289T.
Identifiers: ClinVar variation 2987690 (VCV002987690.4), dbSNP rs1207492312, ClinGen allele CA343260727.
Genomic context (GRCh38, chr1:160,198,713, plus strand): 5'-GTTCTCCTTCTTACCCCCTGACAGGAGGATGATATGGATGGAATCCACATTGTGGCCTTC[G>A]CAGAGGAAGCTGATCCTGGTGAGGGAGGAATACCGGGTTGGACTGGAGGGAAGGCAGGGG-3'
Protein context (NP_001222.3, residues 279-299): DMDGIHIVAF[Ala289Thr]EEADPDGFEF

ClinVar aggregate classification (germline): Uncertain significance. Review status: criteria provided, multiple submitters, no conflicts (2 of 4 stars). 2 submissions from 2 submitters: Uncertain significance (2). Last evaluated 2024-04-04.

Conditions:
Myopathy due to calsequestrin and SERCA1 protein overload. Also called: Myopathy, vacuolar, with casq1 aggregates. Identifiers: Orphanet 88635, MedGen C4015624, MONDO:0014546, OMIM 616231.

Allele frequency attached by ClinVar (database versions not stated): gnomAD exomes below 0.00001; gnomAD 0.00001; TOPMed 0.00001.
gnomAD v4.1: 6 of 1,613,598 alleles (0.00037%); highest among the groups gnomAD compares: African/African-American, 0.0013%; no homozygotes.

Submissions (2):

Genomic Medicine Center of Excellence, King Faisal Specialist Hospital and Research Centre
Classification: Uncertain significance for Myopathy due to calsequestrin and SERCA1 protein overload. Last evaluated: 2024-04-04. Review status: criteria provided, single submitter. Criteria: ACMG Guidelines, 2015. Collection method: clinical testing. Allele origin: germline.

Labcorp Genetics (formerly Invitae), Labcorp
Classification: Uncertain significance. Last evaluated: 2024-01-02. Review status: criteria provided, single submitter. Criteria: Invitae Variant Classification Sherloc (09022015). Collection method: clinical testing. Allele origin: germline.
Comment: This sequence change replaces alanine, which is neutral and non-polar, with threonine, which is neutral and polar, at codon 289 of the CASQ1 protein (p.Ala289Thr). This variant is present in population databases (no rsID available, gnomAD 0.009%). This variant has not been reported in the literature in individuals affected with CASQ1-related conditions. Advanced modeling of protein sequence and biophysical properties (such as structural, functional, and spatial information, amino acid conservation, physicochemical variation, residue mobility, and thermodynamic stability) performed at Invitae indicates that this missense variant is not expected to disrupt CASQ1 protein function with a negative predictive value of 80%. In summary, the available evidence is currently insufficient to determine the role of this variant in disease. Therefore, it has been classified as a Variant of Uncertain Significance.